The following is an entry in ClinVar:

ClinVar aggregate classification (germline): Uncertain significance. Review status: criteria provided, multiple submitters, no conflicts (2 of 4 stars). 3 submissions from 3 submitters: Uncertain significance (3). Last evaluated 2025-11-10.

Conditions:
Inborn genetic diseases. Identifiers: MedGen C0950123, MeSH D030342.
Baller-Gerold syndrome (BGS). Also called: CRANIOSYNOSTOSIS WITH RADIAL DEFECTS. Identifiers: Orphanet 1225, MedGen C0265308, MONDO:0009039, OMIM 218600.

Allele frequency attached by ClinVar (database versions not stated): ExAC 0.00003; gnomAD exomes 0.00002.
gnomAD v4.1: 26 of 1,609,706 alleles (0.0016%); highest among the groups gnomAD compares: Non-Finnish European, 0.0022%; no homozygotes.

Submissions (3):

Labcorp Genetics (formerly Invitae), Labcorp
Classification: Uncertain significance for Baller-Gerold syndrome. Last evaluated: 2025-11-10. Review status: criteria provided, single submitter. Criteria: Invitae Variant Classification Sherloc (09022015). Collection method: clinical testing. Allele origin: germline.
Comment: This sequence change replaces alanine, which is neutral and non-polar, with glycine, which is neutral and non-polar, at codon 736 of the RECQL4 protein (p.Ala736Gly). This variant is present in population databases (rs771790911, gnomAD 0.005%). This variant has not been reported in the literature in individuals affected with RECQL4-related conditions. ClinVar contains an entry for this variant (Variation ID: 406934). Invitae Evidence Modeling of protein sequence and biophysical properties (such as structural, functional, and spatial information, amino acid conservation, physicochemical variation, residue mobility, and thermodynamic stability) indicates that this missense variant is not expected to disrupt RECQL4 protein function with a negative predictive value of 80%. In summary, the available evidence is currently insufficient to determine the role of this variant in disease. Therefore, it has been classified as a Variant of Uncertain Significance.

Ambry Genetics
Classification: Uncertain significance for Inborn genetic diseases. Last evaluated: 2024-12-12. Review status: criteria provided, single submitter. Criteria: Ambry Variant Classification Scheme 2023. Collection method: clinical testing. Allele origin: germline.
Comment: The p.A736G variant (also known as c.2207C>G), located in coding exon 14 of the RECQL4 gene, results from a C to G substitution at nucleotide position 2207. The alanine at codon 736 is replaced by glycine, an amino acid with similar properties. This amino acid position is conserved. In addition, this alteration is predicted to be tolerated by in silico analysis. Based on the available evidence, the clinical significance of this variant remains unclear.

Institute for Clinical Genetics, University Hospital TU Dresden, University Hospital TU Dresden
Classification: Uncertain significance. Last evaluated: 2021-11-03. Review status: criteria provided, single submitter. Criteria: ACMG Guidelines, 2015. Collection method: clinical testing. Allele origin: germline.

NM_004260.4(RECQL4):c.2207C>G (p.Ala736Gly)

Gene: RECQL4 (RecQ like helicase 4; minus strand). Cytogenetic location: 8q24.3.
Variant type: single nucleotide variant.
Coding change: c.2207C>G on transcript NM_004260.4 (MANE Select); coding-DNA position 2207, C replaced by G.
Protein change: p.Ala736Gly; replaces alanine 736 with glycine.
Molecular consequence: missense variant.
Genome position (GRCh38, 1-based): chr8:144,513,474, G>C on the plus strand (C>G on the coding strand, the complement: RECQL4 is on the minus strand). VCF-style: chr8-144513474-G-C. GRCh37 (hg19) VCF-style: chr8-145738858-G-C.
Other names: short protein forms A736G.
Identifiers: ClinVar variation 406934 (VCV000406934.11), dbSNP rs771790911, ClinGen allele CA4948383.